The following is an entry in ClinVar:

ClinVar aggregate classification (germline): Pathogenic. Review status: criteria provided, multiple submitters, no conflicts (2 of 4 stars). 3 submissions from 3 submitters: Pathogenic (3). Last evaluated 2022-11-28.

Conditions:
ANKRD11-related disorder. Also called: ANKRD11-related condition.
Inborn genetic diseases. Identifiers: MedGen C0950123, MeSH D030342.

Submissions (3):

GeneDx
Classification: Pathogenic. Last evaluated: 2022-11-28. Review status: criteria provided, single submitter. Criteria: GeneDx Variant Classification Process June 2021. Collection method: clinical testing. Allele origin: germline. Affected: yes.
Comment: Frameshift variant predicted to result in protein truncation or nonsense mediated decay in a gene for which loss of function is a known mechanism of disease; Not observed at significant frequency in large population cohorts (gnomAD); Has not been previously published as pathogenic or benign to our knowledge

Blueprint Genetics
Classification: Pathogenic for ANKRD11-related disorders. Last evaluated: 2021-02-08. Review status: criteria provided, single submitter. Criteria: ACMG Guidelines, 2015. Collection method: clinical testing. Allele origin: germline. Affected: yes. Observed: 1 variant allele.

Ambry Genetics
Classification: Pathogenic for Inborn genetic diseases. Last evaluated: 2017-10-11. Review status: criteria provided, single submitter. Criteria: Ambry exome assertion method (8-5-2015). Collection method: clinical testing. Allele origin: germline. Affected: yes. Observed: 1 variant allele.

NM_013275.6(ANKRD11):c.3702_3705del (p.Lys1235fs)

Gene: ANKRD11 (ankyrin repeat domain 11; minus strand). Cytogenetic location: 16q24.3.
Variant type: Deletion.
Coding change: c.3702_3705del on transcript NM_013275.6 (MANE Select); coding-DNA positions 3702 to 3705, 4 bases deleted (TAAA; older notation c.3702_3705delTAAA).
Protein change: p.Lys1235fs; shifts the reading frame from lysine 1235.
Molecular consequence: frameshift variant.
Genome position (GRCh38, 1-based): chr16:89,282,837-89,282,840, TTTA deleted on the plus strand (TAAA on the coding strand, the reverse complement: ANKRD11 is on the minus strand); deleting any 4 consecutive bases within chr16:89,282,837-89,282,843 gives the same sequence; the c. name uses the placement nearest the transcript's 3' end. VCF-style (leftmost placement, unchanged base first): chr16-89282836-GTTTA-G. GRCh37 (hg19) VCF-style: chr16-89349244-GTTTA-G.
Other names: c.3702_3705delTAAA (NM_013275.5); c.3702_3705del, p.Lys1235fs (NM_001256182.2, NM_001256183.2); short protein forms K1235fs.
Identifiers: ClinVar variation 432304 (VCV000432304.7), dbSNP rs1555528357, ClinGen allele CA645373064.